The following is an entry in ClinVar:

NM_001041.4(SI):c.1945T>C (p.Trp649Arg)

Gene: SI (sucrase-isomaltase; minus strand). Cytogenetic location: 3q26.1.
Variant type: single nucleotide variant.
Coding change: c.1945T>C on transcript NM_001041.4 (MANE Select); coding-DNA position 1945, T replaced by C.
Protein change: p.Trp649Arg; replaces tryptophan 649 with arginine.
Molecular consequence: missense variant.
Genome position (GRCh38, 1-based): chr3:165,043,118, A>G on the plus strand (T>C on the coding strand, the complement: SI is on the minus strand). VCF-style: chr3-165043118-A-G. GRCh37 (hg19) VCF-style: chr3-164760906-A-G.
Other names: short protein forms W649R.
Identifiers: ClinVar variation 1513346 (VCV001513346.6), dbSNP rs1190036495, ClinGen allele CA355050963.

ClinVar aggregate classification (germline): Uncertain significance (1 of 4 stars; one submission).

Submission:

Labcorp Genetics (formerly Invitae), Labcorp
Classification: Uncertain significance. Last evaluated: 2021-08-17. Review status: criteria provided, single submitter. Criteria: Invitae Variant Classification Sherloc (09022015). Collection method: clinical testing. Allele origin: germline.
Comment: This variant is not present in population databases (ExAC no frequency). This missense change has been observed in individual(s) with sucrase-isomaltase deficiency (Invitae). Advanced modeling of protein sequence and biophysical properties (such as structural, functional, and spatial information, amino acid conservation, physicochemical variation, residue mobility, and thermodynamic stability) performed at Invitae indicates that this missense variant is expected to disrupt SI protein function. In summary, the available evidence is currently insufficient to determine the role of this variant in disease. Therefore, it has been classified as a Variant of Uncertain Significance. This sequence change replaces tryptophan with arginine at codon 649 of the SI protein (p.Trp649Arg). The tryptophan residue is moderately conserved and there is a moderate physicochemical difference between tryptophan and arginine.